The following is an entry in ClinVar:

ClinVar aggregate classification (germline): Conflicting classifications of pathogenicity. Review status: criteria provided, conflicting classifications (1 of 4 stars). 2 submissions from 2 submitters: Uncertain significance (1); Likely benign (1). Last evaluated 2023-03-23.

Conditions:
Hereditary cancer-predisposing syndrome. Also called: Hereditary Cancer Syndrome; Tumor predisposition; Neoplastic Syndromes, Hereditary; Hereditary neoplastic syndrome. Identifiers: Orphanet 140162, MedGen C0027672, MeSH D009386, MONDO:0015356.

Submissions (2):

University of Washington Department of Laboratory Medicine, University of Washington
Classification: Likely benign for Hereditary cancer-predisposing syndrome. Last evaluated: 2023-03-23. Review status: criteria provided, single submitter. Criteria: Dines et al. (Genet Med. 2020). Collection method: curation. Allele origin: germline.
Comment: Missense variant in a coldspot region where missense variants are very unlikely to be pathogenic (PMID:31911673).

BRCA2 exon 11 coldspot. Reclassification based on statistical prior probability.

Quest Diagnostics Nichols Institute San Juan Capistrano
Classification: Uncertain significance. Last evaluated: 2020-12-23. Review status: criteria provided, single submitter. Criteria: Quest Diagnostics criteria. Collection method: clinical testing. Allele origin: unknown.

NM_000059.4(BRCA2):c.4585G>T (p.Gly1529Trp)

Gene: BRCA2 (BRCA2 DNA repair associated; plus strand). Cytogenetic location: 13q13.1.
Variant type: single nucleotide variant.
Coding change: c.4585G>T on transcript NM_000059.4 (MANE Select); coding-DNA position 4585, G replaced by T.
Protein change: p.Gly1529Trp; replaces glycine 1529 with tryptophan.
Molecular consequence: missense variant.
Genome position (GRCh38, 1-based): chr13:32,338,940, G>T. VCF-style: chr13-32338940-G-T. GRCh37 (hg19) VCF-style: chr13-32913077-G-T.
Other names: short protein forms G1529W.
Identifiers: ClinVar variation 1330047 (VCV001330047.3), dbSNP rs28897728, ClinGen allele CA387781917.
Genomic context (GRCh38, chr13:32,338,940, plus strand): 5'-CAACCCGAACGTGATGAAAAGATCAAAGAACCTACTCTATTGGGTTTTCATACAGCTAGC[G>T]GGAAAAAAGTTAAAATTGCAAAGGAATCTTTGGACAAAGTGAAAAACCTTTTTGATGAAA-3'
Protein context (NP_000050.3, residues 1519-1539): PTLLGFHTAS[Gly1529Trp]KKVKIAKESL